The following is an entry in ClinVar:

NM_001854.4(COL11A1):c.2502+317A>G

Gene: COL11A1 (collagen type XI alpha 1 chain; minus strand). Cytogenetic location: 1p21.1.
Variant type: single nucleotide variant.
Coding change: c.2502+317A>G on transcript NM_001854.4 (MANE Select); 317 bases into the intron after coding-DNA position 2502, A replaced by G.
Molecular consequence: intron variant.
Genome position (GRCh38, 1-based): chr1:102,987,316, T>C on the plus strand (A>G on the coding strand, the complement: COL11A1 is on the minus strand). VCF-style: chr1-102987316-T-C. GRCh37 (hg19) VCF-style: chr1-103452872-T-C.
Other names: c.2385+317A>G (NM_001190709.2); c.2538+317A>G (NM_080629.3); c.2154+317A>G (NM_080630.4).
Identifiers: ClinVar variation 681236 (VCV000681236.1), dbSNP rs12121894, ClinGen allele CA27706301.
Genomic context (GRCh38, chr1:102,987,316, plus strand): 5'-ATATATATATATGTATGTATATGAAAGAAAAGGAATCATTTTAATTCTATCCATAAGATA[T>C]TATATTTTGCTTTAGTGTATATAATGTGATAACACTTGTCATAGACATTTCTTGCTTTTT-3'

ClinVar aggregate classification (germline): Benign (1 of 4 stars; one submission).

Allele frequency attached by ClinVar (database versions not stated): 1000 Genomes Project 30x 0.03623; 1000 Genomes Project 0.03714; TOPMed 0.05423; gnomAD 0.05579 and 0.05717.
gnomAD v4.1: 8,440 of 151,566 alleles (5.6%); highest among the groups gnomAD compares: Non-Finnish European, 7.4%; 267 homozygotes.

Submission:

GeneDx
Classification: Benign. Last evaluated: 2018-06-14. Review status: criteria provided, single submitter. Criteria: GeneDx Variant Classification (06012015). Collection method: clinical testing. Allele origin: germline. Affected: yes.
Comment: This variant is considered likely benign or benign based on one or more of the following criteria: it is a conservative change, it occurs at a poorly conserved position in the protein, it is predicted to be benign by multiple in silico algorithms, and/or has population frequency not consistent with disease.